The following is an entry in ClinVar:

ClinVar aggregate classification (germline): Uncertain significance (1 of 4 stars; one submission).

Conditions:
Tuberous sclerosis 1 (TSC1). Identifiers: Orphanet 805, MedGen C1854465, MONDO:0008612, OMIM 191100.

Submission:

Labcorp Genetics (formerly Invitae), Labcorp
Classification: Uncertain significance for Tuberous sclerosis 1. Last evaluated: 2024-01-24. Review status: criteria provided, single submitter. Criteria: Invitae Variant Classification Sherloc (09022015). Collection method: clinical testing. Allele origin: germline.
Comment: This sequence change replaces histidine, which is basic and polar, with glutamine, which is neutral and polar, at codon 1007 of the TSC1 protein (p.His1007Gln). This variant is not present in population databases (gnomAD no frequency). This variant has not been reported in the literature in individuals affected with TSC1-related conditions. Advanced modeling of protein sequence and biophysical properties (such as structural, functional, and spatial information, amino acid conservation, physicochemical variation, residue mobility, and thermodynamic stability) performed at Invitae indicates that this missense variant is not expected to disrupt TSC1 protein function with a negative predictive value of 95%. In summary, the available evidence is currently insufficient to determine the role of this variant in disease. Therefore, it has been classified as a Variant of Uncertain Significance.

NM_000368.5(TSC1):c.3021C>A (p.His1007Gln)

Gene: TSC1 (TSC complex subunit 1; minus strand). Cytogenetic location: 9q34.13.
Variant type: single nucleotide variant.
Coding change: c.3021C>A on transcript NM_000368.5 (MANE Select); coding-DNA position 3021, C replaced by A.
Protein change: p.His1007Gln; replaces histidine 1007 with glutamine.
Molecular consequence: missense variant. On other transcripts: non-coding transcript variant (5).
Genome position (GRCh38, 1-based): chr9:132,896,709, G>T on the plus strand (C>A on the coding strand, the complement: TSC1 is on the minus strand). VCF-style: chr9-132896709-G-T. GRCh37 (hg19) VCF-style: chr9-135772096-G-T.
Other names: c.3018C>A, p.His1006Gln (NM_001162426.2, NM_001406597.1, NM_001406598.1 and 2 more transcripts); c.2868C>A, p.His956Gln (NM_001162427.2, NM_001406610.1); c.2658C>A, p.His886Gln (NM_001362177.2, NM_001406614.1, NM_001406615.1 and 4 more transcripts); c.3006C>A, p.His1002Gln (NM_001406602.1, NM_001406601.1); c.3003C>A, p.His1001Gln (NM_001406603.1, NM_001406604.1); c.2979C>A, p.His993Gln (NM_001406605.1, NM_001406606.1, NM_001406607.1); c.2976C>A, p.His992Gln (NM_001406608.1, NM_001406609.1); c.2865C>A, p.His955Gln (NM_001406611.1, NM_001406612.1); and 8 more; short protein forms H872Q, H885Q, H941Q, H992Q, H1006Q, H656Q, H689Q, H886Q.
Identifiers: ClinVar variation 2710944 (VCV002710944.3), dbSNP rs2538458456, ClinGen allele CA375367870.